The following is an entry in ClinVar:

ClinVar aggregate classification (germline): Pathogenic (1 of 4 stars; one submission).

Submission:

Labcorp Genetics (formerly Invitae), Labcorp
Classification: Pathogenic. Last evaluated: 2022-05-03. Review status: criteria provided, single submitter. Criteria: Invitae Variant Classification Sherloc (09022015). Collection method: clinical testing. Allele origin: germline.
Comment: This variant is not present in population databases (gnomAD no frequency). This sequence change creates a premature translational stop signal (p.Asp669Glufs*6) in the CTNNB1 gene. It is expected to result in an absent or disrupted protein product. Loss-of-function variants in CTNNB1 are known to be pathogenic (PMID: 23033978, 24614104, 25326669, 26350204, 28575650). This variant has not been reported in the literature in individuals affected with CTNNB1-related conditions. For these reasons, this variant has been classified as Pathogenic.

Literature cited by the submitters: PubMed 23033978; PubMed 24614104; PubMed 25326669; PubMed 26350204; PubMed 28575650.

NM_001904.4(CTNNB1):c.2007_2014del (p.Asp669fs)

Gene: CTNNB1 (catenin beta 1; plus strand). Cytogenetic location: 3p22.1.
Variant type: Deletion.
Coding change: c.2007_2014del on transcript NM_001904.4 (MANE Select); coding-DNA positions 2007 to 2014, 8 bases deleted (TTACAAGA; older notation c.2007_2014delTTACAAGA).
Protein change: p.Asp669fs; shifts the reading frame from aspartic acid 669.
Molecular consequence: frameshift variant.
Genome position (GRCh38, 1-based): chr3:41,236,640-41,236,647, TTACAAGA deleted; deleting any 8 consecutive bases within chr3:41,236,634-41,236,647 gives the same sequence; the c. name uses the placement nearest the transcript's 3' end. VCF-style (leftmost placement, unchanged base first): chr3-41236633-CACAAGATT-C. GRCh37 (hg19) VCF-style: chr3-41278124-CACAAGATT-C.
Other names: c.2007_2014del, p.Asp669fs (NM_001098209.2, NM_001098210.2); c.1986_1993del, p.Asp662fs (NM_001330729.2); short protein forms D662fs, D669fs.
Identifiers: ClinVar variation 2132889 (VCV002132889.4), dbSNP rs2470849345, ClinGen allele CA2580069832.